The following is an entry in ClinVar:

ClinVar aggregate classification (germline): Pathogenic (1 of 4 stars; one submission).

Conditions:
Marfan Syndrome/Loeys-Dietz Syndrome/Familial Thoracic Aortic Aneurysms and Dissections. Identifiers: MedGen CN229799.

Submission:

Women's Health and Genetics/Laboratory Corporation of America, LabCorp
Classification: Pathogenic for Marfan Syndrome/Loeys-Dietz Syndrome/Familial Thoracic Aortic Aneurysms and Dissections. Last evaluated: 2025-11-18. Review status: criteria provided, single submitter. Criteria: LabCorp Variant Classification Summary - May 2015. Collection method: clinical testing. Allele origin: germline.
Comment: Variant summary: FBN1 c.6508_6509insAG (p.Cys2170X) results in a premature termination codon, predicted to cause a truncation of the encoded protein or absence of the protein due to nonsense mediated decay, which are commonly known mechanisms for disease. The variant was absent in 251122 control chromosomes. To our knowledge, no occurrence of c.6508_6509insAG in individuals affected with FBN1-related conditions and no experimental evidence demonstrating its impact on protein function have been reported. However, multiple downstream nonsense and frameshift variants have been classified as pathogenic or likely pathogenic by our own lab. No submitters have cited clinical-significance assessments for this variant to ClinVar. Based on the evidence outlined above, the variant was classified as pathogenic.

NM_000138.5(FBN1):c.6508_6509insAG (p.Cys2170Ter)

Gene: FBN1 (fibrillin 1; minus strand). Cytogenetic location: 15q21.1.
Variant type: Insertion.
Coding change: c.6508_6509insAG on transcript NM_000138.5 (MANE Select); coding-DNA positions 6508 to 6509, AG inserted.
Protein change: p.Cys2170Ter; replaces cysteine 2170 with a stop codon.
Molecular consequence: nonsense.
Genome position: GRCh38 VCF-style: chr15-48434701-C-CCT. GRCh37 (hg19) VCF-style: chr15-48726898-C-CCT.
Other names: c.6508_6509insAG, p.Cys2170Ter (NM_001406716.1); short protein forms C2170*.
Identifiers: ClinVar variation 4537348 (VCV004537348.1).
Genomic context (GRCh38, chr15:48,434,701, plus strand): 5'-CATTCAAAACCTCCAATCACATTCTTGCAGGTTCCATTTCCACAAGGATTGCCAACAGAA[C>CCT]ATTCATCAGTATCTGCAAGAAACCAGGAATGTGTCCAAAACATGATGAATTGAGATAATA-3'